The following is an entry in ClinVar:

NM_001009944.3(PKD1):c.4681C>A (p.Pro1561Thr)

Gene: PKD1 (polycystin 1, transient receptor potential channel interacting; minus strand). Cytogenetic location: 16p13.3.
Variant type: single nucleotide variant.
Coding change: c.4681C>A on transcript NM_001009944.3 (MANE Select); coding-DNA position 4681, C replaced by A.
Protein change: p.Pro1561Thr; replaces proline 1561 with threonine.
Molecular consequence: missense variant.
Genome position (GRCh38, 1-based): chr16:2,110,486, G>T on the plus strand (C>A on the coding strand, the complement: PKD1 is on the minus strand). VCF-style: chr16-2110486-G-T. GRCh37 (hg19) VCF-style: chr16-2160487-G-T.
Other names: c.4681C>A, p.Pro1561Thr (NM_000296.4); short protein forms P1561T.
Identifiers: ClinVar variation 4279840 (VCV004279840.1).

ClinVar aggregate classification (germline): Uncertain significance (1 of 4 stars; one submission).

Conditions:
Polycystic kidney disease, adult type (PKD1). Also called: POLYCYSTIC KIDNEY DISEASE 1 WITH OR WITHOUT POLYCYSTIC LIVER DISEASE; POLYCYSTIC KIDNEY DISEASE, ADULT, TYPE I; Polycystic Kidney, Autosomal Dominant; Polycystic Kidney Disease 1, Autosomal Dominant; Polycystic kidney disease 1; Polycystic kidney disease 1, severe. Identifiers: MedGen C3149841, MONDO:0008263, OMIM 173900.

Submission:

Clinical Genomics Laboratory, Washington University in St. Louis
Classification: Uncertain significance for Polycystic kidney disease, adult type. Last evaluated: 2025-06-27. Review status: criteria provided, single submitter. Criteria: ACMG Guidelines, 2015. Collection method: clinical testing. Allele origin: germline.
Comment: A PKD1 c.4681C>A (p.Pro1561Thr) variant was identified. This variant, to our knowledge, has not been reported in medical literature. It is absent from the general population (gnomAD v2.1.1), indicating it is not a common variant. Computational predictors are uncertain as to the impact of this variant on PKD1 function. Due to limited information, and based on ACMG/AMP guidelines for variant interpretation (Richards S et al., PMID: 25741868), the clinical significance of this variant is uncertain at this time.